The following is an entry in ClinVar:

NM_153460.4(IL17RC):c.919C>T (p.Gln307Ter)

Gene: IL17RC (interleukin 17 receptor C; plus strand). Cytogenetic location: 3p25.3.
Variant type: single nucleotide variant.
Coding change: c.919C>T on transcript NM_153460.4 (MANE Select); coding-DNA position 919, C replaced by T.
Protein change: p.Gln307Ter; replaces glutamine 307 with a stop codon.
Molecular consequence: nonsense. On other transcripts: non-coding transcript variant (1).
Genome position (GRCh38, 1-based): chr3:9,928,346, C>T. VCF-style: chr3-9928346-C-T. GRCh37 (hg19) VCF-style: chr3-9970030-C-T.
Other names: IL17RC, ARG378TER (rs143600903); R378*; c.919C>T, p.Gln307Ter (NM_001203263.2, NM_001203264.2); c.874C>T, p.Gln292Ter (NM_001203265.2, NM_001367280.1, NM_032732.6); c.880C>T, p.Gln294Ter (NM_001367278.1); c.799C>T, p.Gln267Ter (NM_001367279.1); c.1132C>T, p.Gln378Ter (NM_153461.4); short protein forms Q307*, Q292*, Q294*, Q378*, Q267*.
Identifiers: ClinVar variation 372245 (VCV000372245.9), dbSNP rs143600903, ClinGen allele CA2247071.

ClinVar aggregate classification (germline): Conflicting classifications of pathogenicity. Review status: criteria provided, conflicting classifications (1 of 4 stars). 3 submissions from 3 submitters: Likely pathogenic (1); Uncertain significance (1). 1 of the submissions does not count toward it. Last evaluated 2024-10-22.

Conditions:
Candidiasis, familial, 9 (CANDF9). Identifiers: Orphanet 1334, MedGen C4225324, MONDO:0014642, OMIM 616445.

Allele frequency attached by ClinVar (database versions not stated): ESP Exome Variant Server 0.00015; TOPMed 0.00018; gnomAD 0.00021; gnomAD exomes 0.00032 and 0.00043; 1000 Genomes Project 0.00040; 1000 Genomes Project 30x 0.00047; ExAC 0.00057.

Submissions (3):

Blueprint Genetics
Classification: Uncertain significance. Last evaluated: 2024-10-22. Review status: criteria provided, single submitter. Criteria: ACMG Guidelines, 2015. Collection method: clinical testing. Allele origin: germline.

GeneDx
Classification: Likely pathogenic. Last evaluated: 2022-05-06. Review status: criteria provided, single submitter. Criteria: GeneDx Variant Classification Process June 2021. Collection method: clinical testing. Allele origin: germline. Affected: yes.
Comment: Nonsense variant predicted to result in protein truncation or nonsense mediated decay in a gene for which loss of function is a known mechanism of disease; This variant is associated with the following publications: (PMID: 29128761, 28090315, Tepal2020[Case Report], 25918342, 33726816, 31980526, Simeoni2019[Other])

OMIM
Classification: Pathogenic for CANDIDIASIS, FAMILIAL, 9. Last evaluated: 2015-07-06. Review status: no assertion criteria provided. Collection method: literature only. Allele origin: germline. Not counted in ClinVar's aggregate classification.

Literature cited by the submitters: PubMed 25918342 (cited by OMIM).